The following is an entry in ClinVar:

ClinVar aggregate classification (germline): Uncertain significance (1 of 4 stars; one submission).

Conditions:
PLXNA1-related disorder. Also called: PLXNA1-related condition.

Allele frequency attached by ClinVar (database versions not stated): gnomAD 0.00002; TOPMed 0.00002; ExAC 0.00004.
gnomAD v4.1: 59 of 1,570,824 alleles (0.0038%); highest among the groups gnomAD compares: Admixed American, 0.011%; no homozygotes.

Submissions (2):

PreventionGenetics, part of Exact Sciences
Classification: Uncertain significance for PLXNA1-related condition. Last evaluated: 2024-10-03. Review status: criteria provided, single submitter. Criteria: ACMG Guidelines, 2015. Collection method: clinical testing. Allele origin: germline.
Comment: The PLXNA1 c.1526G>A variant is predicted to result in the amino acid substitution p.Arg509Gln. To our knowledge, this variant has not been reported in the literature. This variant is reported in 0.021% of alleles in individuals of Latino descent in gnomAD. At this time, the clinical significance of this variant is uncertain due to the absence of conclusive functional and genetic evidence.

Dr. Peter K. Rogan Lab, Western University
No classification provided (evidence only). Condition: Colon adenocarcinoma. Review status: no classification provided. Collection method: in vitro. Allele origin: not applicable. Functional consequence: retained intron. Not counted in ClinVar's aggregate classification.

NM_032242.4(PLXNA1):c.1526G>A (p.Arg509Gln)

Gene: PLXNA1 (plexin A1; plus strand). Cytogenetic location: 3q21.3.
Variant type: single nucleotide variant.
Coding change: c.1526G>A on transcript NM_032242.4 (MANE Select); coding-DNA position 1526, G replaced by A.
Protein change: p.Arg509Gln; replaces arginine 509 with glutamine.
Molecular consequence: missense variant.
Genome position (GRCh38, 1-based): chr3:127,004,618, G>A. VCF-style: chr3-127004618-G-A. GRCh37 (hg19) VCF-style: chr3-126723461-G-A.
Other names: NC_000003.11:g.126723461G>A; short protein forms R509Q.
Identifiers: ClinVar variation 2636707 (VCV002636707.3), dbSNP rs777812102, ClinGen allele CA2593282.
Genomic context (GRCh38, chr3:127,004,618, plus strand): 5'-GTCAAGGACCCCTGGGGTGGTACTGGAGGGGCCTGACACCTCCCCCACACCAGGTGACGC[G>A]GGTGCCTGTGGAGAGCTGTGTGCAGTACACGTCCTGTGAGCTGTGTCTGGGGTCACGGGA-3'
Protein context (NP_115618.3, residues 499-519): LYAMTEKQVT[Arg509Gln]VPVESCVQYT